The following is an entry in ClinVar:

NM_031935.3(HMCN1):c.16872C>A (p.Phe5624Leu)

Gene: HMCN1 (hemicentin 1; plus strand). Cytogenetic location: 1q31.1.
Variant type: single nucleotide variant.
Coding change: c.16872C>A on transcript NM_031935.3 (MANE Select); coding-DNA position 16872, C replaced by A.
Protein change: p.Phe5624Leu; replaces phenylalanine 5624 with leucine.
Molecular consequence: missense variant.
Genome position (GRCh38, 1-based): chr1:186,189,842, C>A. VCF-style: chr1-186189842-C-A. GRCh37 (hg19) VCF-style: chr1-186158974-C-A.
Other names: short protein forms F5624L.
Identifiers: ClinVar variation 2129059 (VCV002129059.4), dbSNP rs1289543405, ClinGen allele CA343907423.

ClinVar aggregate classification (germline): Uncertain significance (1 of 4 stars; one submission).

gnomAD v4.1: 1 of 1,613,850 alleles (0.000062%); highest among the groups gnomAD compares: East Asian, 0.0022%; no homozygotes.

Submission:

Labcorp Genetics (formerly Invitae), Labcorp
Classification: Uncertain significance. Last evaluated: 2022-04-22. Review status: criteria provided, single submitter. Criteria: Invitae Variant Classification Sherloc (09022015). Collection method: clinical testing. Allele origin: germline.
Comment: This sequence change replaces phenylalanine, which is neutral and non-polar, with leucine, which is neutral and non-polar, at codon 5624 of the HMCN1 protein (p.Phe5624Leu). This variant is present in population databases (no rsID available, gnomAD 0.006%). This variant has not been reported in the literature in individuals affected with HMCN1-related conditions. Algorithms developed to predict the effect of missense changes on protein structure and function are either unavailable or do not agree on the potential impact of this missense change (SIFT: "Deleterious"; PolyPhen-2: "Possibly Damaging"; Align-GVGD: "Class C0"). In summary, the available evidence is currently insufficient to determine the role of this variant in disease. Therefore, it has been classified as a Variant of Uncertain Significance.